The following is an entry in ClinVar:

ClinVar aggregate classification (germline): Uncertain significance (1 of 4 stars; one submission).

Conditions:
Neuromuscular disease caused by qualitative or quantitative defects of dysferlin. Also called: Dysferlinopathy; Qualitative or quantitative defects of dysferlin. Identifiers: Orphanet 207073, MedGen C2931687, MONDO:0016145.

Allele frequency attached by ClinVar (database versions not stated): gnomAD 0.00001; gnomAD exomes 0.00001; TOPMed 0.00002.

Submission:

Labcorp Genetics (formerly Invitae), Labcorp
Classification: Uncertain significance for Neuromuscular disease caused by qualitative or quantitative defects of dysferlin. Last evaluated: 2021-11-06. Review status: criteria provided, single submitter. Criteria: Invitae Variant Classification Sherloc (09022015). Collection method: clinical testing. Allele origin: germline.
Comment: This sequence change replaces asparagine, which is neutral and polar, with tyrosine, which is neutral and polar, at codon 40 of the DYSF protein (p.Asn40Tyr). This variant is present in population databases (no rsID available, gnomAD 0.002%). This variant has not been reported in the literature in individuals affected with DYSF-related conditions. Algorithms developed to predict the effect of missense changes on protein structure and function are either unavailable or do not agree on the potential impact of this missense change (SIFT: "Deleterious"; PolyPhen-2: "Probably Damaging"; Align-GVGD: "Class C0"). Algorithms developed to predict the effect of sequence changes on RNA splicing suggest that this variant may create or strengthen a splice site. In summary, the available evidence is currently insufficient to determine the role of this variant in disease. Therefore, it has been classified as a Variant of Uncertain Significance.

NM_001130987.2(DYSF):c.121A>T (p.Asn41Tyr)

Gene: DYSF (dysferlin; plus strand). Cytogenetic location: 2p13.2.
Variant type: single nucleotide variant.
Coding change: c.121A>T on transcript NM_001130987.2 (MANE Select); coding-DNA position 121, A replaced by T.
Protein change: p.Asn41Tyr; replaces asparagine 41 with tyrosine.
Molecular consequence: missense variant.
Genome position (GRCh38, 1-based): chr2:71,480,912, A>T. VCF-style: chr2-71480912-A-T. GRCh37 (hg19) VCF-style: chr2-71708042-A-T.
Other names: c.121A>T, p.Asn41Tyr (NM_001130455.2, NM_001130982.2, NM_001130983.2 and 3 more transcripts); c.118A>T, p.Asn40Tyr (NM_001130976.2, NM_001130977.2, NM_001130978.2 and 4 more transcripts); short protein forms N41Y, N40Y.
Identifiers: ClinVar variation 1519330 (VCV001519330.3), dbSNP rs911341473, ClinGen allele CA49750078.
Genomic context (GRCh38, chr2:71,480,912, plus strand): 5'-CTCTCCATTCTCCCTTTTGTGTCTCTTGTAGGGGTGAAGAAGAGAACCAAAGTCATCAAG[A>T]ACAGCGTGAACCCTGTATGGAATGAGGTATGTGAGTTTTTCTCCTTCCTTTTCTCTCTGT-3'
Protein context (NP_001124459.1, residues 31-51): GVKKRTKVIK[Asn41Tyr]SVNPVWNEGF